The following is an entry in ClinVar:

ClinVar aggregate classification (germline): Uncertain significance. Review status: criteria provided, multiple submitters, no conflicts (2 of 4 stars). 3 submissions from 3 submitters: Uncertain significance (3). Last evaluated 2026-05-08.

Conditions:
Familial adenomatous polyposis 1 (FAP1). Also called: FAMILIAL ADENOMATOUS POLYPOSIS 1, ATTENUATED; POLYPOSIS, ADENOMATOUS INTESTINAL. Identifiers: MedGen C2713442, MONDO:0021056, OMIM 175100. Disease mechanism: loss of function.
Hereditary cancer-predisposing syndrome. Also called: Tumor predisposition; Neoplastic Syndromes, Hereditary; Hereditary Cancer Syndrome; Hereditary neoplastic syndrome. Identifiers: Orphanet 140162, MedGen C0027672, MeSH D009386, MONDO:0015356.

Allele frequency attached by ClinVar (database versions not stated): gnomAD exomes below 0.00001.
gnomAD v4.1: 1 of 1,604,122 alleles (0.000062%); highest among the groups gnomAD compares: Middle Eastern, 0.017%; no homozygotes.

Submissions (3):

Ambry Genetics
Classification: Uncertain significance for Hereditary cancer-predisposing syndrome. Last evaluated: 2026-05-08. Review status: criteria provided, single submitter. Criteria: Ambry Variant Classification Scheme 2023. Collection method: clinical testing. Allele origin: germline.
Comment: The p.I544V variant (also known as c.1630A>G), located in coding exon 13 of the APC gene, results from an A to G substitution at nucleotide position 1630. The isoleucine at codon 544 is replaced by valine, an amino acid with highly similar properties. This amino acid position is highly conserved in available vertebrate species. In addition, in silico predictors for this gene do not accurately predict pathogenicity. Missense variants in APC are not a common cause of disease (Spier I et al. Genet Med. 2024 Feb;26(2):100992). Based on the available evidence, the clinical significance of this variant remains unclear.

Color Diagnostics, LLC DBA Color Health
Classification: Uncertain significance for Hereditary cancer-predisposing syndrome. Last evaluated: 2025-08-30. Review status: criteria provided, single submitter. Criteria: ACMG Guidelines, 2015. Collection method: clinical testing. Allele origin: germline.
Comment: This missense variant replaces isoleucine with valine at codon 544 of the APC protein. Computational prediction suggests that this variant may not impact protein structure and function. To our knowledge, functional studies have not been reported for this variant. This variant has not been reported in individuals affected with APC-related disorders in the literature. This variant has not been identified in the general population by the Genome Aggregation Database (gnomAD). The available evidence is insufficient to determine the role of this variant in disease conclusively. Therefore, this variant is classified as a Variant of Uncertain Significance.

Labcorp Genetics (formerly Invitae), Labcorp
Classification: Uncertain significance for Familial adenomatous polyposis 1. Last evaluated: 2025-06-23. Review status: criteria provided, single submitter. Criteria: Invitae Variant Classification Sherloc (09022015). Collection method: clinical testing. Allele origin: germline.
Comment: This sequence change replaces isoleucine, which is neutral and non-polar, with valine, which is neutral and non-polar, at codon 544 of the APC protein (p.Ile544Val). This variant is not present in population databases (gnomAD no frequency). This variant has not been reported in the literature in individuals affected with APC-related conditions. ClinVar contains an entry for this variant (Variation ID: 1478922). Invitae Evidence Modeling of protein sequence and biophysical properties (such as structural, functional, and spatial information, amino acid conservation, physicochemical variation, residue mobility, and thermodynamic stability) indicates that this missense variant is not expected to disrupt APC protein function with a negative predictive value of 95%. In summary, the available evidence is currently insufficient to determine the role of this variant in disease. Therefore, it has been classified as a Variant of Uncertain Significance.

NM_000038.6(APC):c.1630A>G (p.Ile544Val)

Gene: APC (APC regulator of Wnt signaling pathway; plus strand). Cytogenetic location: 5q22.2.
Variant type: single nucleotide variant.
Coding change: c.1630A>G on transcript NM_000038.6 (MANE Select); coding-DNA position 1630, A replaced by G.
Protein change: p.Ile544Val; replaces isoleucine 544 with valine.
Molecular consequence: missense variant.
Genome position (GRCh38, 1-based): chr5:112,828,859, A>G. VCF-style: chr5-112828859-A-G. GRCh37 (hg19) VCF-style: chr5-112164556-A-G.
Other names: c.1630A>G, p.Ile544Val (NM_001127510.3, NM_001354895.2); c.1576A>G, p.Ile526Val (NM_001127511.3); c.1684A>G, p.Ile562Val (NM_001354896.2); c.1660A>G, p.Ile554Val (NM_001354897.2); c.1555A>G, p.Ile519Val (NM_001354898.2); c.1546A>G, p.Ile516Val (NM_001354899.2); c.1507A>G, p.Ile503Val (NM_001354900.2); c.1453A>G, p.Ile485Val (NM_001354901.2); and 6 more; short protein forms I443V, I485V, I516V, I519V, I562V, I384V, I418V, I453V.
Identifiers: ClinVar variation 1478922 (VCV001478922.8), dbSNP rs1580573908, ClinGen allele CA16024869.